The following is an entry in ClinVar:

ClinVar aggregate classification (germline): Likely benign (1 of 4 stars; one submission).

Conditions:
NCOA1-related disorder. Also called: NCOA1-related condition.

gnomAD v4.1: 1 of 1,613,990 alleles (0.000062%); no homozygotes.

Submission:

PreventionGenetics, part of Exact Sciences
Classification: Likely benign for NCOA1-related condition. Last evaluated: 2025-04-09. Review status: criteria provided, single submitter. Criteria: ACMG Guidelines, 2015. Collection method: clinical testing. Allele origin: germline.
Comment: This variant is classified as likely benign based on ACMG/AMP sequence variant interpretation guidelines (Richards et al. 2015 PMID: 25741868, with internal and published modifications).

NM_003743.5(NCOA1):c.1059C>T (p.Asp353=)

Gene: NCOA1 (nuclear receptor coactivator 1; plus strand). Cytogenetic location: 2p23.3.
Variant type: single nucleotide variant.
Coding change: c.1059C>T on transcript NM_003743.5 (MANE Select); coding-DNA position 1059, C replaced by T.
Protein change: p.Asp353=; no amino-acid change (aspartic acid 353 retained).
Molecular consequence: synonymous variant.
Genome position (GRCh38, 1-based): chr2:24,705,195, C>T. VCF-style: chr2-24705195-C-T. GRCh37 (hg19) VCF-style: chr2-24928064-C-T.
Other names: c.1059C>T, p.Asp353= (NM_001362950.1, NM_001362952.1, NM_001362954.1 and 3 more transcripts).
Identifiers: ClinVar variation 5002501 (VCV005002501.1).